The following is an entry in ClinVar:

NM_000051.4(ATM):c.606_609del (p.Asp203_Gly204insTer)

Gene: ATM (ATM serine/threonine kinase; plus strand). Cytogenetic location: 11q22.3.
Variant type: Deletion.
Coding change: c.606_609del on transcript NM_000051.4 (MANE Select); coding-DNA positions 606 to 609, 4 bases deleted (TGAC; older notation c.606_609delTGAC).
Protein change: p.Asp203_Gly204insTer.
Molecular consequence: frameshift variant.
Genome position (GRCh38, 1-based): chr11:108,244,062-108,244,065, TGAC deleted; deleting any 4 consecutive bases within chr11:108,244,059-108,244,065 gives the same sequence; the c. name uses the placement nearest the transcript's 3' end. VCF-style (leftmost placement, unchanged base first): chr11-108244058-AGACT-A. GRCh37 (hg19) VCF-style: chr11-108114785-AGACT-A.
Other names: c.606_609delTGAC (NM_000051.3); c.606_609del, p.Asp203_Gly204insTer (NM_001351834.2).
Identifiers: ClinVar variation 230404 (VCV000230404.12), dbSNP rs876658548, ClinGen allele CA10578966.

ClinVar aggregate classification (germline): Pathogenic. Review status: criteria provided, multiple submitters, no conflicts (2 of 4 stars). 4 submissions from 4 submitters: Pathogenic (4). Last evaluated 2025-11-04.

Conditions:
Hereditary cancer-predisposing syndrome. Also called: Hereditary Cancer Syndrome; Neoplastic Syndromes, Hereditary; Tumor predisposition; Hereditary neoplastic syndrome. Identifiers: Orphanet 140162, MedGen C0027672, MeSH D009386, MONDO:0015356.
Ataxia-telangiectasia syndrome (AT). Also called: Ataxia telangiectasia (A-T); Ataxia-telangiectasia, complementation group E; LOUIS-BAR SYNDROME; Cerebello-oculocutaneous telangiectasia; Immunodeficiency with ataxia telangiectasia; Ataxia-telangiectasia, complementation group D. Identifiers: Orphanet 100, MedGen C0004135, MONDO:0008840, OMIM 208900.
Familial cancer of breast. Also called: Hereditary breast cancer; hereditary breast carcinoma; BREAST CANCER, FAMILIAL. Identifiers: Orphanet 227535, MedGen C0346153, MONDO:0016419, OMIM 114480. Disease mechanism: loss of function.

Submissions (4):

Ambry Genetics
Classification: Pathogenic for Hereditary cancer-predisposing syndrome. Last evaluated: 2025-11-04. Review status: criteria provided, single submitter. Criteria: Ambry Variant Classification Scheme 2023. Collection method: clinical testing. Allele origin: germline.
Comment: The c.606_609delTGAC pathogenic mutation, located in coding exon 5 of the ATM gene, results from a deletion of 4 nucleotides at nucleotide positions 606 to 609, causing a translational frameshift with a predicted alternate stop codon (p.G204*). This variant is considered to be rare based on population cohorts in the Genome Aggregation Database (gnomAD). This alteration is expected to result in loss of function by premature protein truncation or nonsense-mediated mRNA decay. As such, this alteration is interpreted as a disease-causing mutation.

Myriad Genetics, Inc.
Classification: Pathogenic for Familial cancer of breast. Last evaluated: 2024-01-09. Review status: criteria provided, single submitter. Criteria: Myriad Autosomal Dominant, Autosomal Recessive and X-Linked Classification Criteria (2023). Collection method: clinical testing. Allele origin: unknown.
Comment: This variant is considered pathogenic. This variant creates a termination codon and is predicted to result in premature protein truncation.

Labcorp Genetics (formerly Invitae), Labcorp
Classification: Pathogenic for Ataxia-telangiectasia syndrome. Last evaluated: 2022-10-13. Review status: criteria provided, single submitter. Criteria: Invitae Variant Classification Sherloc (09022015). Collection method: clinical testing. Allele origin: germline.
Comment: This sequence change creates a premature translational stop signal (p.Gly204*) in the ATM gene. It is expected to result in an absent or disrupted protein product. Loss-of-function variants in ATM are known to be pathogenic (PMID: 23807571, 25614872). This variant is not present in population databases (gnomAD no frequency). This premature translational stop signal has been observed in individual(s) with ataxia-telangiectasia (PMID: 16380133). ClinVar contains an entry for this variant (Variation ID: 230404). For these reasons, this variant has been classified as Pathogenic.

GeneDx
Classification: Pathogenic. Last evaluated: 2018-01-05. Review status: criteria provided, single submitter. Criteria: GeneDx Variant Classification (06012015). Collection method: clinical testing. Allele origin: germline. Affected: yes.
Comment: The c.606_609delTGAC variant in the ATM gene has not been published as a pathogenic variant, nor has it been reported as a benign variant, to our knowledge. This deletion causes a frameshift starting with codon Glycine 204 and changes this amino acid to a premature Stop codon, denoted p.G204X. This variant is predicted to cause loss of normal protein function either through protein truncation or nonsense-mediated mRNA decay. Additionally, this variant is not observed in large population cohorts (Lek et al., 2016). Furthermore, a different nucleotide substitution (c.610 G>T) resulting in the same nonsense change at the protein level (G204X) has been reported previously in an individual with ataxia-telangiectasia who had another ATM pathogenic variant on the other chromosome (Jiang et al., 2006). We interpret the c.606_609delTGAC variant as a pathogenic variant.

Literature cited by the submitters: PubMed 23807571 (cited by Labcorp Genetics (formerly Invitae), Labcorp); PubMed 25614872 (cited by Labcorp Genetics (formerly Invitae), Labcorp); PubMed 16380133 (cited by Labcorp Genetics (formerly Invitae), Labcorp).